The following is an entry in ClinVar:

ClinVar aggregate classification (germline): Likely benign. Review status: criteria provided, multiple submitters, no conflicts (2 of 4 stars). 4 submissions from 4 submitters: Likely benign (3). 1 of the submissions does not count toward it. Last evaluated 2026-01-06.

Conditions:
PTPN23-related disorder. Also called: PTPN23-related condition.

Allele frequency attached by ClinVar (database versions not stated): gnomAD exomes 0.00010 and 0.00014; gnomAD 0.00011 and 0.00012; ExAC 0.00012; ESP Exome Variant Server 0.00015; TOPMed 0.00015.
gnomAD v4.1: 186 of 1,613,944 alleles (0.012%); highest among the groups gnomAD compares: Middle Eastern, 0.21%; no homozygotes.

Submissions (4):

Labcorp Genetics (formerly Invitae), Labcorp
Classification: Likely benign. Last evaluated: 2026-01-06. Review status: criteria provided, single submitter. Criteria: Invitae Variant Classification Sherloc (09022015). Collection method: clinical testing. Allele origin: germline.

Blueprint Genetics
Classification: Likely benign. Last evaluated: 2024-03-15. Review status: criteria provided, single submitter. Criteria: ACMG Guidelines, 2015. Collection method: clinical testing. Allele origin: germline.

Breakthrough Genomics
Classification: Likely benign. Review status: criteria provided, single submitter. Criteria: ACMG Guidelines, 2015. Collection method: not provided. Allele origin: germline. Inheritance: Autosomal recessive inheritance. Affected: yes.

PreventionGenetics, part of Exact Sciences
Classification: Likely benign for PTPN23-related condition. Last evaluated: 2019-07-22. Review status: no assertion criteria provided. Collection method: clinical testing. Allele origin: germline. Not counted in ClinVar's aggregate classification.
Comment: This variant is classified as likely benign based on ACMG/AMP sequence variant interpretation guidelines (Richards et al. 2015 PMID: 25741868, with internal and published modifications).

NM_015466.4(PTPN23):c.948C>T (p.Asn316=)

Gene: PTPN23 (protein tyrosine phosphatase non-receptor type 23; plus strand). Cytogenetic location: 3p21.31.
Variant type: single nucleotide variant.
Coding change: c.948C>T on transcript NM_015466.4 (MANE Select); coding-DNA position 948, C replaced by T.
Protein change: p.Asn316=; no amino-acid change (asparagine 316 retained).
Molecular consequence: synonymous variant.
Genome position (GRCh38, 1-based): chr3:47,407,529, C>T. VCF-style: chr3-47407529-C-T. GRCh37 (hg19) VCF-style: chr3-47449019-C-T.
Other names: c.948C>T (NM_015466.3); c.570C>T, p.Asn190= (NM_001304482.2).
Identifiers: ClinVar variation 1557106 (VCV001557106.12), dbSNP rs148428184, ClinGen allele CA2365579.